The following is an entry in ClinVar:

NM_001365951.3(KIF1B):c.2192AGGAAGAAG[1] (p.Glu734_Glu736del)

Gene: KIF1B (kinesin family member 1B; plus strand). Cytogenetic location: 1p36.22.
Variant type: Microsatellite.
Coding change: c.2192AGGAAGAAG[1] on transcript NM_001365951.3 (MANE Select); one copy of the 9-base unit AGGAAGAAG starting at c.2192; the reference has two copies in a row; one copy, 9 bases deleted.
Protein change: p.Glu734_Glu736del.
Molecular consequence: inframe deletion.
Genome position (GRCh38, 1-based): chr1:10,320,128-10,320,136, AGGAAGAAG deleted; deleting any 9 consecutive bases within chr1:10,320,118-10,320,136 gives the same sequence; the position shown is the placement nearest the transcript's 3' end. VCF-style (leftmost placement, unchanged base first): chr1-10320117-GGAGGAAGAA-G. GRCh37 (hg19) VCF-style: chr1-10380175-GGAGGAAGAA-G.
Other names: c.2063_2071delAGGAAGAAG (NM_015074.3); c.2192AGGAAGAAG[1], p.Glu734_Glu736del (NM_001365952.1); c.2054AGGAAGAAG[1], p.Glu688_Glu690del (NM_015074.3).
Identifiers: ClinVar variation 1042932 (VCV001042932.11), dbSNP rs1187447780, ClinGen allele CA521146924.

ClinVar aggregate classification (germline): Uncertain significance. Review status: criteria provided, multiple submitters, no conflicts (2 of 4 stars). 2 submissions from 2 submitters: Uncertain significance (2). Last evaluated 2025-02-17.

Conditions:
Charcot-Marie-Tooth disease type 2. Also called: Charcot-Marie-Tooth type 2. Identifiers: Orphanet 64746, MedGen C0270914, MONDO:0018993.

Submissions (2):

Labcorp Genetics (formerly Invitae), Labcorp
Classification: Uncertain significance for Charcot-Marie-Tooth disease type 2. Last evaluated: 2025-02-17. Review status: criteria provided, single submitter. Criteria: Invitae Variant Classification Sherloc (09022015). Collection method: clinical testing. Allele origin: germline.
Comment: This variant, c.2063_2071del, results in the deletion of 3 amino acid(s) of the KIF1B protein (p.Glu688_Glu690del), but otherwise preserves the integrity of the reading frame. This variant is present in population databases (no rsID available, gnomAD 0.007%). This variant has not been reported in the literature in individuals affected with KIF1B-related conditions. Experimental studies and prediction algorithms are not available or were not evaluated, and the functional significance of this variant is currently unknown. In summary, the available evidence is currently insufficient to determine the role of this variant in disease. Therefore, it has been classified as a Variant of Uncertain Significance.

Ambry Genetics
Classification: Uncertain significance. Last evaluated: 2023-10-06. Review status: criteria provided, single submitter. Criteria: Ambry Variant Classification Scheme 2023. Collection method: clinical testing. Allele origin: germline.
Comment: The c.2063_2071delAGGAAGAAG variant (also known as p.E688_E690del) is located in coding exon 20 of the KIF1B gene. This variant results from an in-frame AGGAAGAAG deletion at nucleotide positions 2063 to 2071. This results in the in-frame deletion of three glutamate residues at codons 688 to 690. This amino acid region is highly conserved in available vertebrate species. In addition, this alteration is predicted to be deleterious by in silico analysis (Choi Y et al. PLoS ONE. 2012; 7(10):e46688). The evidence for this gene-disease relationship is limited; therefore, the clinical significance of this alteration is unclear.